The following is an entry in ClinVar:

NM_000214.3(JAG1):c.1349-173_1483del

Gene: JAG1 (jagged canonical Notch ligand 1; minus strand). Cytogenetic location: 20p12.2.
Variant type: Deletion.
Coding change: c.1349-173_1483del on transcript NM_000214.3 (MANE Select); 173 bases into the intron before coding-DNA position 1349 through coding-DNA position 1483, 646 bases deleted.
Molecular consequence: splice acceptor variant, splice donor variant.
Genome position (GRCh38, 1-based): chr20:10,648,635-10,649,280, 646 bases deleted. GRCh37 (hg19): chr20:10,629,285-10,629,930.
Identifiers: ClinVar variation 2829279 (VCV002829279.3), dbSNP rs2514517214, ClinGen allele CA2739277057.

ClinVar aggregate classification (germline): Likely pathogenic (1 of 4 stars; one submission).

Conditions:
Alagille syndrome due to a JAG1 point mutation. Also called: JAG1-Related Alagille Syndrome; Alagille Syndrome 1; HEPATIC DUCTULAR HYPOPLASIA, SYNDROMATIC. Identifiers: Orphanet 261619, Orphanet 52, MedGen C1956125, MONDO:0016862, OMIM 118450.

Submission:

Labcorp Genetics (formerly Invitae), Labcorp
Classification: Likely pathogenic for Alagille syndrome due to a JAG1 point mutation. Last evaluated: 2023-01-16. Review status: criteria provided, single submitter. Criteria: Invitae Variant Classification Sherloc (09022015). Collection method: clinical testing. Allele origin: germline.
Comment: In summary, the currently available evidence indicates that the variant is pathogenic, but additional data are needed to prove that conclusively. Therefore, this variant has been classified as Likely Pathogenic. This variant has not been reported in the literature in individuals affected with JAG1-related conditions. This variant is not present in population databases (gnomAD no frequency). This variant results in the deletion of exon 11 and part of exon 12 (c.1349-173_1483del) of the JAG1 gene. It is expected to disrupt RNA splicing. Variants that disrupt the donor or acceptor splice site typically lead to a loss of protein function (PMID: 16199547), and loss-of-function variants in JAG1 are known to be pathogenic (PMID: 11180599).

Literature cited by the submitters: PubMed 16199547; PubMed 11180599.